The following is an entry in ClinVar:

NM_022367.4(SEMA4A):c.1277T>G (p.Leu426Arg)

Gene: SEMA4A (semaphorin 4A; plus strand). Cytogenetic location: 1q22.
Variant type: single nucleotide variant.
Coding change: c.1277T>G on transcript NM_022367.4 (MANE Select); coding-DNA position 1277, T replaced by G.
Protein change: p.Leu426Arg; replaces leucine 426 with arginine.
Molecular consequence: missense variant.
Genome position (GRCh38, 1-based): chr1:156,172,968, T>G. VCF-style: chr1-156172968-T-G. GRCh37 (hg19) VCF-style: chr1-156142759-T-G.
Other names: c.1277T>G, p.Leu426Arg (NM_001193300.2, NM_001193301.2, NM_001370567.1); c.881T>G, p.Leu294Arg (NM_001193302.2); c.980T>G, p.Leu327Arg (NM_001370568.1); c.770T>G, p.Leu257Arg (NM_001370569.1, NM_001370571.1); short protein forms L294R, L426R, L327R, L257R.
Identifiers: ClinVar variation 2072158 (VCV002072158.5), dbSNP rs1051987109, ClinGen allele CA31001095.

ClinVar aggregate classification (germline): Uncertain significance. Review status: criteria provided, multiple submitters, no conflicts (2 of 4 stars). 2 submissions from 2 submitters: Uncertain significance (2). Last evaluated 2025-03-04.

Allele frequency attached by ClinVar (database versions not stated): TOPMed 0.00006; gnomAD 0.00007.
gnomAD v4.1: 22 of 1,613,960 alleles (0.0014%); highest among the groups gnomAD compares: African/African-American, 0.028%; no homozygotes.

Submissions (2):

Labcorp Genetics (formerly Invitae), Labcorp
Classification: Uncertain significance. Last evaluated: 2025-03-04. Review status: criteria provided, single submitter. Criteria: Invitae Variant Classification Sherloc (09022015). Collection method: clinical testing. Allele origin: germline.
Comment: This sequence change replaces leucine, which is neutral and non-polar, with arginine, which is basic and polar, at codon 426 of the SEMA4A protein (p.Leu426Arg). This variant is present in population databases (no rsID available, gnomAD 0.02%). This variant has not been reported in the literature in individuals affected with SEMA4A-related conditions. ClinVar contains an entry for this variant (Variation ID: 2072158). Invitae Evidence Modeling of protein sequence and biophysical properties (such as structural, functional, and spatial information, amino acid conservation, physicochemical variation, residue mobility, and thermodynamic stability) indicates that this missense variant is not expected to disrupt SEMA4A protein function with a negative predictive value of 80%. In summary, the available evidence is currently insufficient to determine the role of this variant in disease. Therefore, it has been classified as a Variant of Uncertain Significance.

Blueprint Genetics
Classification: Uncertain significance. Last evaluated: 2023-09-09. Review status: criteria provided, single submitter. Criteria: ACMG Guidelines, 2015. Collection method: clinical testing. Allele origin: germline.